The following is an entry in ClinVar:

ClinVar aggregate classification (germline): Uncertain significance (1 of 4 stars; one submission).

Submission:

GeneDx
Classification: Uncertain significance. Last evaluated: 2019-12-03. Review status: criteria provided, single submitter. Criteria: GeneDx Variant Classification Process June 2021. Collection method: clinical testing. Allele origin: germline. Affected: yes.
Comment: Not observed at a significant frequency in large population cohorts (Lek et al., 2016); In silico analysis, which includes protein predictors and evolutionary conservation, supports a deleterious effect; Has not been previously published as pathogenic or benign to our knowledge

NM_000260.4(MYO7A):c.119A>G (p.Asp40Gly)

Gene: MYO7A (myosin VIIA; plus strand). Cytogenetic location: 11q13.5.
Variant type: single nucleotide variant.
Coding change: c.119A>G on transcript NM_000260.4 (MANE Select); coding-DNA position 119, A replaced by G.
Protein change: p.Asp40Gly; replaces aspartic acid 40 with glycine.
Molecular consequence: missense variant.
Genome position (GRCh38, 1-based): chr11:77,142,809, A>G. VCF-style: chr11-77142809-A-G. GRCh37 (hg19) VCF-style: chr11-76853855-A-G.
Other names: c.119A>G, p.Asp40Gly (NM_001127180.2); c.86A>G, p.Asp29Gly (NM_001369365.1); short protein forms D29G, D40G.
Identifiers: ClinVar variation 1310771 (VCV001310771.2), dbSNP rs2135628856, ClinGen allele CA381926566.